The following is an entry in ClinVar:

NM_001267550.2(TTN):c.102713G>T (p.Arg34238Leu)

Genes: TTN-AS1 (TTN antisense RNA 1; plus strand), TTN (titin; minus strand). Cytogenetic location: 2q31.2.
Variant type: single nucleotide variant.
Coding change: c.102713G>T on transcript NM_001267550.2 (MANE Select); coding-DNA position 102713, G replaced by T.
Protein change: p.Arg34238Leu; replaces arginine 34238 with leucine.
Molecular consequence: missense variant.
Genome position (GRCh38, 1-based): chr2:178,533,902, C>A on the plus strand (G>T on the coding strand, the complement: TTN is on the minus strand). VCF-style: chr2-178533902-C-A. GRCh37 (hg19) VCF-style: chr2-179398629-C-A.
Other names: c.97790G>T, p.Arg32597Leu (NM_001256850.1); c.75518G>T, p.Arg25173Leu (NM_003319.4); c.95009G>T, p.Arg31670Leu (NM_133378.4); c.75893G>T, p.Arg25298Leu (NM_133432.3); c.76094G>T, p.Arg25365Leu (NM_133437.4); short protein forms R25173L, R25298L, R25365L, R31670L, R32597L, R34238L.
Identifiers: ClinVar variation 3756601 (VCV003756601.2).

ClinVar aggregate classification (germline): Uncertain significance (1 of 4 stars; one submission).

Conditions:
Dilated cardiomyopathy 1G (CMD1G). Identifiers: Orphanet 154, MedGen C1858763, MONDO:0011400, OMIM 604145.
Autosomal recessive limb-girdle muscular dystrophy type 2J (LGMDR10). Also called: Limb-girdle muscular dystrophy, type 2J; MUSCULAR DYSTROPHY, LIMB-GIRDLE, AUTOSOMAL RECESSIVE 10. Identifiers: Orphanet 140922, MedGen C1837342, MONDO:0012127, OMIM 608807.

Submission:

Labcorp Genetics (formerly Invitae), Labcorp
Classification: Uncertain significance for Dilated cardiomyopathy 1G; Autosomal recessive limb-girdle muscular dystrophy type 2J. Last evaluated: 2024-06-03. Review status: criteria provided, single submitter. Criteria: Invitae Variant Classification Sherloc (09022015). Collection method: clinical testing. Allele origin: germline.
Comment: This sequence change replaces arginine, which is basic and polar, with leucine, which is neutral and non-polar, at codon 34238 of the TTN protein (p.Arg34238Leu). This variant is not present in population databases (gnomAD no frequency). This variant has not been reported in the literature in individuals affected with TTN-related conditions. Experimental studies and prediction algorithms are not available or were not evaluated, and the functional significance of this variant is currently unknown. This variant is located in the M band of TTN (PMID: 25589632). Non-truncating variants in this region may be relevant for neuromuscular disorders, but have not been definitively shown to cause cardiomyopathy (PMID: 23975875). In summary, the available evidence is currently insufficient to determine the role of this variant in disease. Therefore, it has been classified as a Variant of Uncertain Significance.

Literature cited by the submitters: PubMed 25589632; PubMed 23975875.